The following is an entry in ClinVar:

NM_000057.4(BLM):c.2213C>T (p.Thr738Ile)

Gene: BLM (BLM RecQ like helicase; plus strand). Cytogenetic location: 15q26.1.
Variant type: single nucleotide variant.
Coding change: c.2213C>T on transcript NM_000057.4 (MANE Select); coding-DNA position 2213, C replaced by T.
Protein change: p.Thr738Ile; replaces threonine 738 with isoleucine.
Molecular consequence: missense variant.
Genome position (GRCh38, 1-based): chr15:90,766,929, C>T. VCF-style: chr15-90766929-C-T. GRCh37 (hg19) VCF-style: chr15-91310159-C-T.
Other names: c.2213C>T, p.Thr738Ile (NM_001287246.2, NM_001287247.2); c.1088C>T, p.Thr363Ile (NM_001287248.2); short protein forms T363I, T738I.
Identifiers: ClinVar variation 1787797 (VCV001787797.7), dbSNP rs1474290499, ClinGen allele CA393844803.
Genomic context (GRCh38, chr15:90,766,929, plus strand): 5'-TAATGTATAAAATTGAAATTGTTTACTACTTTTATACTTAGATTCCAGCTACATATCTGA[C>T]AGGTGATAAGACTGACTCAGAAGCTACAAATATTTACCTCCAGTTATCAAAAAAAGACCC-3'
Protein context (NP_000048.1, residues 728-748): TSLDIPATYL[Thr738Ile]GDKTDSEATN

ClinVar aggregate classification (germline): Uncertain significance. Review status: criteria provided, multiple submitters, no conflicts (2 of 4 stars). 2 submissions from 2 submitters: Uncertain significance (2). Last evaluated 2022-07-01.

Conditions:
Bloom syndrome (BLM). Also called: Bloom-Torre-Machacek syndrome. Identifiers: Orphanet 125, MedGen C0005859, MONDO:0008876, OMIM 210900.
Hereditary cancer-predisposing syndrome. Also called: Neoplastic Syndromes, Hereditary; Tumor predisposition; Hereditary Cancer Syndrome; Hereditary neoplastic syndrome. Identifiers: Orphanet 140162, MedGen C0027672, MeSH D009386, MONDO:0015356.

Allele frequency attached by ClinVar (database versions not stated): gnomAD exomes below 0.00001.
gnomAD v4.1: 1 of 1,598,372 alleles (0.000063%); highest among the groups gnomAD compares: Non-Finnish European, 0.000086%; no homozygotes.

Submissions (2):

Ambry Genetics
Classification: Uncertain significance for Hereditary cancer-predisposing syndrome. Last evaluated: 2022-07-01. Review status: criteria provided, single submitter. Criteria: Ambry Variant Classification Scheme 2023. Collection method: clinical testing. Allele origin: germline.
Comment: The p.T738I variant (also known as c.2213C>T), located in coding exon 9 of the BLM gene, results from a C to T substitution at nucleotide position 2213. The threonine at codon 738 is replaced by isoleucine, an amino acid with similar properties. This amino acid position is conserved. In addition, this alteration is predicted to be tolerated by in silico analysis. Since supporting evidence is limited at this time, the clinical significance of this alteration remains unclear.

Labcorp Genetics (formerly Invitae), Labcorp
Classification: Uncertain significance for Bloom syndrome. Last evaluated: 2022-04-18. Review status: criteria provided, single submitter. Criteria: Invitae Variant Classification Sherloc (09022015). Collection method: clinical testing. Allele origin: germline.
Comment: In summary, the available evidence is currently insufficient to determine the role of this variant in disease. Therefore, it has been classified as a Variant of Uncertain Significance. Algorithms developed to predict the effect of missense changes on protein structure and function are either unavailable or do not agree on the potential impact of this missense change (SIFT: "Deleterious"; PolyPhen-2: "Probably Damaging"; Align-GVGD: "Class C0"). This variant has not been reported in the literature in individuals affected with BLM-related conditions. This variant is not present in population databases (gnomAD no frequency). This sequence change replaces threonine, which is neutral and polar, with isoleucine, which is neutral and non-polar, at codon 738 of the BLM protein (p.Thr738Ile).